The following is an entry in ClinVar:

NM_005027.4(PIK3R2):c.1980-16_1980-3del

Gene: PIK3R2 (phosphoinositide-3-kinase regulatory subunit 2; plus strand). Cytogenetic location: 19p13.11.
Variant type: Deletion.
Coding change: c.1980-16_1980-3del on transcript NM_005027.4 (MANE Select); 16 bases into the intron before coding-DNA position 1980 through 3 bases into the intron before coding-DNA position 1980, 14 bases deleted (TCGTCTGCCCCCAC).
Molecular consequence: intron variant.
Genome position (GRCh38, 1-based): chr19:18,169,071-18,169,084, TCGTCTGCCCCCAC deleted; deleting any 14 consecutive bases within chr19:18,169,070-18,169,084 gives the same sequence; the c. name uses the placement nearest the transcript's 3' end. VCF-style (leftmost placement, unchanged base first): chr19-18169069-TCTCGTCTGCCCCCA-T. GRCh37 (hg19) VCF-style: chr19-18279879-TCTCGTCTGCCCCCA-T.
Identifiers: ClinVar variation 2836756 (VCV002836756.3), dbSNP rs2513573686, ClinGen allele CA2739276615.

ClinVar aggregate classification (germline): Uncertain significance (1 of 4 stars; one submission).

Conditions:
Megalencephaly-polymicrogyria-postaxial polydactyly-hydrocephalus syndrome. Also called: MPPH Syndrome; MEG-PMG-MEGACC SYNDROME. Identifiers: Orphanet 83473, MedGen C1863924, MONDO:0019375.

Submission:

Labcorp Genetics (formerly Invitae), Labcorp
Classification: Uncertain significance for Megalencephaly-polymicrogyria-postaxial polydactyly-hydrocephalus syndrome. Last evaluated: 2023-02-13. Review status: criteria provided, single submitter. Criteria: Invitae Variant Classification Sherloc (09022015). Collection method: clinical testing. Allele origin: germline.
Comment: This variant is not present in population databases (gnomAD no frequency). This sequence change falls in intron 15 of the PIK3R2 gene. It does not directly change the encoded amino acid sequence of the PIK3R2 protein. This variant has not been reported in the literature in individuals affected with PIK3R2-related conditions. Algorithms developed to predict the effect of sequence changes on RNA splicing suggest that this variant may disrupt the consensus splice site. In summary, the available evidence is currently insufficient to determine the role of this variant in disease. Therefore, it has been classified as a Variant of Uncertain Significance.